The following is an entry in ClinVar:

ClinVar aggregate classification (germline): Uncertain significance (1 of 4 stars; one submission).

Submission:

GeneDx
Classification: Uncertain significance. Last evaluated: 2023-11-11. Review status: criteria provided, single submitter. Criteria: GeneDx Variant Classification Process June 2021. Collection method: clinical testing. Allele origin: germline. Affected: yes.
Comment: Not observed at significant frequency in large population cohorts (gnomAD); In silico analysis supports that this missense variant has a deleterious effect on protein structure/function; Has not been previously published as pathogenic or benign to our knowledge

NM_001378414.1(HDAC4):c.2453G>A (p.Cys818Tyr)

Gene: HDAC4 (histone deacetylase 4; minus strand). Cytogenetic location: 2q37.3.
Variant type: single nucleotide variant.
Coding change: c.2453G>A on transcript NM_001378414.1 (MANE Select); coding-DNA position 2453, G replaced by A.
Protein change: p.Cys818Tyr; replaces cysteine 818 with tyrosine.
Molecular consequence: missense variant.
Genome position (GRCh38, 1-based): chr2:239,084,234, C>T on the plus strand (G>A on the coding strand, the complement: HDAC4 is on the minus strand). VCF-style: chr2-239084234-C-T. GRCh37 (hg19) VCF-style: chr2-240005930-C-T.
Other names: c.2453G>A, p.Cys818Tyr (NM_001378415.1); c.2438G>A, p.Cys813Tyr (NM_001378416.1, NM_001378417.1, NM_006037.4); short protein forms C813Y, C818Y.
Identifiers: ClinVar variation 3364150 (VCV003364150.1).